The following is an entry in ClinVar:

NM_173551.5(ANKS6):c.643G>A (p.Ala215Thr)

Gene: ANKS6 (ankyrin repeat and sterile alpha motif domain containing 6; minus strand). Cytogenetic location: 9q22.33.
Variant type: single nucleotide variant.
Coding change: c.643G>A on transcript NM_173551.5 (MANE Select); coding-DNA position 643, G replaced by A.
Protein change: p.Ala215Thr; replaces alanine 215 with threonine.
Molecular consequence: missense variant.
Genome position (GRCh38, 1-based): chr9:98,790,323, C>T on the plus strand (G>A on the coding strand, the complement: ANKS6 is on the minus strand). VCF-style: chr9-98790323-C-T. GRCh37 (hg19) VCF-style: chr9-101552605-C-T.
Other names: c.643G>A (NM_173551.3, NM_173551.4); short protein forms A215T.
Identifiers: ClinVar variation 1396682 (VCV001396682.6), dbSNP rs199530402, ClinGen allele CA5153795.

ClinVar aggregate classification (germline): Uncertain significance. Review status: criteria provided, multiple submitters, no conflicts (2 of 4 stars). 4 submissions from 4 submitters: Uncertain significance (4). Last evaluated 2026-03-31.

Conditions:
Nephronophthisis 16 (NPHP16). Identifiers: Orphanet 655, MedGen C3809320, MONDO:0014158, OMIM 615382.
ANKS6-related disorder. Also called: ANKS6-related condition.
Inborn genetic diseases. Identifiers: MedGen C0950123, MeSH D030342.

Allele frequency attached by ClinVar (database versions not stated): gnomAD exomes 0.00003 and 0.00004; ExAC 0.00008; gnomAD 0.00019 and 0.00021; 1000 Genomes Project 0.00020; ESP Exome Variant Server 0.00024; 1000 Genomes Project 30x 0.00031; TOPMed 0.00044.
gnomAD v4.1: 89 of 1,609,696 alleles (0.0055%); highest among the groups gnomAD compares: Admixed American, 0.037%; 1 homozygote.

Submissions (4):

PreventionGenetics, part of Exact Sciences
Classification: Uncertain significance for ANKS6-related condition. Last evaluated: 2026-03-31. Review status: criteria provided, single submitter. Criteria: ACMG Guidelines, 2015. Collection method: clinical testing. Allele origin: germline.
Comment: The ANKS6 c.643G>A variant is predicted to result in the amino acid substitution p.Ala215Thr. To our knowledge, this variant has not been reported in the literature. This variant is reported in 0.038% of alleles in individuals of African descent in gnomAD. At this time, the clinical significance of this variant is uncertain due to the absence of conclusive functional and genetic evidence.

Fulgent Genetics
Classification: Uncertain significance for Nephronophthisis 16. Last evaluated: 2024-05-13. Review status: criteria provided, single submitter. Criteria: ACMG Guidelines, 2015. Collection method: clinical testing. Allele origin: germline.

Ambry Genetics
Classification: Uncertain significance for Inborn genetic diseases. Last evaluated: 2023-03-06. Review status: criteria provided, single submitter. Criteria: Ambry Variant Classification Scheme 2023. Collection method: clinical testing. Allele origin: germline.

Labcorp Genetics (formerly Invitae), Labcorp
Classification: Uncertain significance for Nephronophthisis 16. Last evaluated: 2022-08-10. Review status: criteria provided, single submitter. Criteria: Invitae Variant Classification Sherloc (09022015). Collection method: clinical testing. Allele origin: germline.
Comment: This sequence change replaces alanine, which is neutral and non-polar, with threonine, which is neutral and polar, at codon 215 of the ANKS6 protein (p.Ala215Thr). This variant is present in population databases (rs199530402, gnomAD 0.04%). This variant has not been reported in the literature in individuals affected with ANKS6-related conditions. ClinVar contains an entry for this variant (Variation ID: 1396682). Algorithms developed to predict the effect of missense changes on protein structure and function are either unavailable or do not agree on the potential impact of this missense change (SIFT: "Deleterious"; PolyPhen-2: "Possibly Damaging"; Align-GVGD: "Class C0"). In summary, the available evidence is currently insufficient to determine the role of this variant in disease. Therefore, it has been classified as a Variant of Uncertain Significance.